The following is an entry in ClinVar:

NM_014849.5(SV2A):c.834C>T (p.Ser278=)

Gene: SV2A (synaptic vesicle glycoprotein 2A; minus strand). Cytogenetic location: 1q21.2.
Variant type: single nucleotide variant.
Coding change: c.834C>T on transcript NM_014849.5 (MANE Select); coding-DNA position 834, C replaced by T.
Protein change: p.Ser278=; no amino-acid change (serine 278 retained).
Molecular consequence: synonymous variant.
Genome position (GRCh38, 1-based): chr1:149,910,947, G>A on the plus strand (C>T on the coding strand, the complement: SV2A is on the minus strand). VCF-style: chr1-149910947-G-A. GRCh37 (hg19) VCF-style: chr1-149882499-G-A.
Other names: c.834C>T, p.Ser278= (NM_001328674.2, NM_001328675.2).
Identifiers: ClinVar variation 2639153 (VCV002639153.24), dbSNP rs782424423, ClinGen allele CA1071151.

ClinVar aggregate classification (germline): Uncertain significance (1 of 4 stars; one submission).

Allele frequency attached by ClinVar (database versions not stated): ExAC 0.00002.
gnomAD v4.1: 24 of 1,614,154 alleles (0.0015%); highest among the groups gnomAD compares: Non-Finnish European, 0.0019%; no homozygotes.

Submission:

CeGaT Center for Human Genetics Tuebingen
Classification: Uncertain significance. Last evaluated: 2022-04-01. Review status: criteria provided, single submitter. Criteria: CeGaT Center For Human Genetics Tuebingen Variant Classification Criteria Version 2. Collection method: clinical testing. Allele origin: germline. Affected: yes. Observed: 1 variant allele.
Comment: SV2A: PM2, BP7